The following is an entry in ClinVar:

NM_000428.3(LTBP2):c.1301C>T (p.Pro434Leu)

Gene: LTBP2 (latent transforming growth factor beta binding protein 2; minus strand). Cytogenetic location: 14q24.3.
Variant type: single nucleotide variant.
Coding change: c.1301C>T on transcript NM_000428.3 (MANE Select); coding-DNA position 1301, C replaced by T.
Protein change: p.Pro434Leu; replaces proline 434 with leucine.
Molecular consequence: missense variant.
Genome position (GRCh38, 1-based): chr14:74,552,285, G>A on the plus strand (C>T on the coding strand, the complement: LTBP2 is on the minus strand). VCF-style: chr14-74552285-G-A. GRCh37 (hg19) VCF-style: chr14-75018988-G-A.
Other names: short protein forms P434L.
Identifiers: ClinVar variation 314311 (VCV000314311.10), dbSNP rs371940681, ClinGen allele CA7269924.

ClinVar aggregate classification (germline): Conflicting classifications of pathogenicity. Review status: criteria provided, conflicting classifications (1 of 4 stars). 7 submissions from 6 submitters: Uncertain significance (5); Likely benign (2). Last evaluated 2024-11-25.

Conditions:
Weill-Marchesani syndrome. Also called: WM Syndrome; Mesodermal dysmorphodystrophy congenital. Identifiers: Orphanet 3449, MedGen C0265313, MONDO:0018096.
Glaucoma 3, primary congenital, D. Identifiers: Orphanet 98976, MedGen C2751316, MONDO:0013122, OMIM 613086.
Microspherophakia and/or megalocornea, with ectopia lentis and with or without secondary glaucoma (MSPKA). Identifiers: Orphanet 238763, MedGen C3538951, MONDO:0009633, OMIM 251750.
Weill-Marchesani syndrome 3 (WMS3). Also called: LTBP2-Related Weill-Marchesani Syndrome; Weill-Marchesani syndrome 3, recessive. Identifiers: Orphanet 3449, MedGen C3553785, MONDO:0013899, OMIM 614819.
Glaucoma 3, primary infantile, B. Also called: GLAUCOMA, PRIMARY CONGENITAL, TYPE B; GLC3B; GLC3 type B; Primary congenital glaucoma type 3B; Glaucoma primary congenita type 3B. Identifiers: Orphanet 98976, MedGen C1832977, MONDO:0010968, OMIM 600975.
Inborn genetic diseases. Identifiers: MedGen C0950123, MeSH D030342.

Allele frequency attached by ClinVar (database versions not stated): TOPMed 0.00007; ESP Exome Variant Server 0.00008; ExAC 0.00009; gnomAD 0.00009; gnomAD exomes 0.00014.

Submissions (7):

Blueprint Genetics
Classification: Likely benign. Last evaluated: 2024-11-25. Review status: criteria provided, single submitter. Criteria: ACMG Guidelines, 2015. Collection method: clinical testing. Allele origin: germline.

Ambry Genetics
Classification: Likely benign for Inborn genetic diseases. Last evaluated: 2023-01-20. Review status: criteria provided, single submitter. Criteria: Ambry Variant Classification Scheme 2023. Collection method: clinical testing. Allele origin: germline.

Labcorp Genetics (formerly Invitae), Labcorp
Classification: Uncertain significance. Last evaluated: 2022-08-10. Review status: criteria provided, single submitter. Criteria: Invitae Variant Classification Sherloc (09022015). Collection method: clinical testing. Allele origin: germline.
Comment: This sequence change replaces proline, which is neutral and non-polar, with leucine, which is neutral and non-polar, at codon 434 of the LTBP2 protein (p.Pro434Leu). This variant is present in population databases (rs371940681, gnomAD 0.04%). This variant has not been reported in the literature in individuals affected with LTBP2-related conditions. ClinVar contains an entry for this variant (Variation ID: 314311). Algorithms developed to predict the effect of missense changes on protein structure and function output the following: SIFT: "Tolerated"; PolyPhen-2: "Benign"; Align-GVGD: "Class C0". The leucine amino acid residue is found in multiple mammalian species, which suggests that this missense change does not adversely affect protein function. In summary, the available evidence is currently insufficient to determine the role of this variant in disease. Therefore, it has been classified as a Variant of Uncertain Significance.

Fulgent Genetics
Classification: Uncertain significance for Microspherophakia and/or megalocornea, with ectopia lentis and with or without secondary glaucoma; Glaucoma 3, primary infantile, B; Glaucoma 3, primary congenital, D; Weill-Marchesani syndrome 3. Last evaluated: 2021-10-12. Review status: criteria provided, single submitter. Criteria: ACMG Guidelines, 2015. Collection method: clinical testing. Allele origin: unknown.

Illumina Laboratory Services, Illumina
Classification: Uncertain significance for Glaucoma 3, primary congenital, D. Last evaluated: 2018-01-12. Review status: criteria provided, single submitter. Criteria: ICSL Variant Classification Criteria 13 December 2019. Collection method: clinical testing. Allele origin: germline.

Illumina Laboratory Services, Illumina
Classification: Uncertain significance for Weill-Marchesani syndrome. Last evaluated: 2018-01-12. Review status: criteria provided, single submitter. Criteria: ICSL Variant Classification Criteria 13 December 2019. Collection method: clinical testing. Allele origin: germline.

Neuberg Centre For Genomic Medicine, NCGM
Classification: Uncertain significance for Microspherophakia and/or megalocornea, with ectopia lentis and with or without secondary glaucoma. Review status: criteria provided, single submitter. Criteria: ACMG Guidelines, 2015. Collection method: clinical testing. Allele origin: germline. Inheritance: Autosomal recessive inheritance. Affected: yes.
Comment: The missense variant p.P434L in LTBP2 (NM_000428.3) has not been reported previously as a pathogenic variant nor as a benign variant, to our knowledge. There is a moderate physicochemical difference between proline and leucine. The p.P434L missense variant is predicted to be tolerated by both SIFT or PolyPhen2. The nucleotide c.1301 in LTBP2 is not conserved according to a GERP++ and PhyloP analysis of 100 vertebrates. For these reasons, this variant has been classified as Uncertain Significance.